The following is an entry in ClinVar:

ClinVar aggregate classification (germline): Uncertain significance. Review status: criteria provided, multiple submitters, no conflicts (2 of 4 stars). 2 submissions from 2 submitters: Uncertain significance (2). Last evaluated 2024-08-27.

Conditions:
Gorlin syndrome. Also called: Basal cell nevus syndrome; Nevoid Basal Cell Carcinoma Syndrome. Identifiers: Orphanet 377, MedGen C0004779, MONDO:0007187.
Hereditary cancer-predisposing syndrome. Also called: Hereditary Cancer Syndrome; Tumor predisposition; Neoplastic Syndromes, Hereditary; Hereditary neoplastic syndrome. Identifiers: Orphanet 140162, MedGen C0027672, MeSH D009386, MONDO:0015356.

Allele frequency attached by ClinVar (database versions not stated): gnomAD exomes below 0.00001.
gnomAD v4.1: 1 of 1,614,256 alleles (0.000062%); highest among the groups gnomAD compares: South Asian, 0.0011%; no homozygotes.

Submissions (2):

Labcorp Genetics (formerly Invitae), Labcorp
Classification: Uncertain significance for Gorlin syndrome. Last evaluated: 2024-08-27. Review status: criteria provided, single submitter. Criteria: Invitae Variant Classification Sherloc (09022015). Collection method: clinical testing. Allele origin: germline.
Comment: This sequence change replaces leucine, which is neutral and non-polar, with phenylalanine, which is neutral and non-polar, at codon 840 of the PTCH1 protein (p.Leu840Phe). This variant is not present in population databases (gnomAD no frequency). This variant has not been reported in the literature in individuals affected with PTCH1-related conditions. ClinVar contains an entry for this variant (Variation ID: 2046478). Invitae Evidence Modeling of protein sequence and biophysical properties (such as structural, functional, and spatial information, amino acid conservation, physicochemical variation, residue mobility, and thermodynamic stability) indicates that this missense variant is not expected to disrupt PTCH1 protein function with a negative predictive value of 95%. In summary, the available evidence is currently insufficient to determine the role of this variant in disease. Therefore, it has been classified as a Variant of Uncertain Significance.

Ambry Genetics
Classification: Uncertain significance for Hereditary cancer-predisposing syndrome. Last evaluated: 2023-08-03. Review status: criteria provided, single submitter. Criteria: Ambry Variant Classification Scheme 2023. Collection method: clinical testing. Allele origin: germline.
Comment: The p.L840F variant (also known as c.2518C>T), located in coding exon 15 of the PTCH1 gene, results from a C to T substitution at nucleotide position 2518. The leucine at codon 840 is replaced by phenylalanine, an amino acid with highly similar properties. This amino acid position is highly conserved in available vertebrate species. In addition, this alteration is predicted to be deleterious by in silico analysis. Since supporting evidence is limited at this time, the clinical significance of this alteration remains unclear.

NM_000264.5(PTCH1):c.2518C>T (p.Leu840Phe)

Genes: PTCH1 (patched 1; minus strand), LOC100507346 (uncharacterized LOC100507346; plus strand). Cytogenetic location: 9q22.32.
Variant type: single nucleotide variant.
Coding change: c.2518C>T on transcript NM_000264.5 (MANE Select); coding-DNA position 2518, C replaced by T.
Protein change: p.Leu840Phe; replaces leucine 840 with phenylalanine.
Molecular consequence: missense variant. On other transcripts: non-coding transcript variant (2).
Genome position (GRCh38, 1-based): chr9:95,467,158, G>A on the plus strand (C>T on the coding strand, the complement: PTCH1 is on the minus strand). VCF-style: chr9-95467158-G-A. GRCh37 (hg19) VCF-style: chr9-98229440-G-A.
Other names: c.2320C>T, p.Leu774Phe (NM_001083602.3); c.2515C>T, p.Leu839Phe (NM_001083603.3); c.2065C>T, p.Leu689Phe (NM_001083604.3, NM_001083605.3, NM_001083606.3 and 1 more transcripts); c.2362C>T, p.Leu788Phe (NM_001354918.2); short protein forms L774F, L689F, L788F, L840F, L839F.
Identifiers: ClinVar variation 2046478 (VCV002046478.6), dbSNP rs2117948928, ClinGen allele CA374113831.
Genomic context (GRCh38, chr9:95,467,158, plus strand): 5'-CCTCCCACGCCGTCTTACCCTGAAGCCAGTCTCTGAAGTAGTGCAGCCACATTTTGGGAA[G>A]CTGTTTGTTTTCTTCCAACATGACATACTTCACGTTACTGAAACTCCTGTGTAGGTCGTA-3'
Protein context (NP_000255.2, residues 830-850): KYVMLEENKQ[Leu840Phe]PKMWLHYFRD